The following is an entry in ClinVar:

ClinVar aggregate classification (germline): Uncertain significance (1 of 4 stars; one submission).

gnomAD v4.1: 1 of 1,613,970 alleles (0.000062%); highest among the groups gnomAD compares: Admixed American, 0.0017%; no homozygotes.

Submission:

Mayo Clinic Laboratories, Mayo Clinic
Classification: Uncertain significance. Last evaluated: 2025-03-31. Review status: criteria provided, single submitter. Criteria: ACMG Guidelines, 2015. Collection method: clinical testing. Allele origin: germline. Observed: 2 variant alleles.
Comment: PM2_supporting

NM_000186.4(CFH):c.3664A>G (p.Lys1222Glu)

Gene: CFH (complement factor H; plus strand). Cytogenetic location: 1q31.3.
Variant type: single nucleotide variant.
Coding change: c.3664A>G on transcript NM_000186.4 (MANE Select); coding-DNA position 3664, A replaced by G.
Protein change: p.Lys1222Glu; replaces lysine 1222 with glutamic acid.
Molecular consequence: missense variant.
Genome position (GRCh38, 1-based): chr1:196,747,281, A>G. VCF-style: chr1-196747281-A-G. GRCh37 (hg19) VCF-style: chr1-196716411-A-G.
Other names: p.Lys1222Glu; short protein forms K1222E.
Identifiers: ClinVar variation 4542037 (VCV004542037.1).